The following is an entry in ClinVar:

ClinVar aggregate classification (germline): Uncertain significance (1 of 4 stars; one submission).

gnomAD v4.1: 2 of 1,560,560 alleles (0.00013%); highest among the groups gnomAD compares: Admixed American, 0.0018%; no homozygotes.

Submission:

Dasa
Classification: Uncertain significance. Last evaluated: 2025-01-13. Review status: criteria provided, single submitter. Criteria: DASA Assertion Criteria. Collection method: clinical testing. Allele origin: germline.
Comment: NM_021096.4(CACNA1I):c.237-9G>C is a splice-region variant. This variant is rare in population databases. Computational prediction algorithms are consistent with a benign effect. The currently available literature and clinical evidence are not sufficient to establish a definitive association between this variant and the reported condition. Therefore, this variant is classified as a variant of uncertain significance.

NM_021096.4(CACNA1I):c.237-9G>C

Gene: CACNA1I (calcium voltage-gated channel subunit alpha1 I; plus strand). Cytogenetic location: 22q13.1.
Variant type: single nucleotide variant.
Coding change: c.237-9G>C on transcript NM_021096.4 (MANE Select); 9 bases into the intron before coding-DNA position 237, G replaced by C.
Molecular consequence: intron variant.
Genome position (GRCh38, 1-based): chr22:39,598,142, G>C. VCF-style: chr22-39598142-G-C. GRCh37 (hg19) VCF-style: chr22-39994147-G-C.
Other names: c.237-9G>C (NM_001003406.2).
Identifiers: ClinVar variation 4883771 (VCV004883771.2).